The following is an entry in ClinVar:

NM_000212.3(ITGB3):c.431T>G (p.Met144Arg)

Gene: ITGB3 (integrin subunit beta 3; plus strand). Cytogenetic location: 17q21.32.
Variant type: single nucleotide variant.
Coding change: c.431T>G on transcript NM_000212.3 (MANE Select); coding-DNA position 431, T replaced by G.
Protein change: p.Met144Arg; replaces methionine 144 with arginine.
Molecular consequence: missense variant.
Genome position (GRCh38, 1-based): chr17:47,284,512, T>G. VCF-style: chr17-47284512-T-G. GRCh37 (hg19) VCF-style: chr17-45361878-T-G.
Other names: short protein forms M144R.
Identifiers: ClinVar variation 996188 (VCV000996188.6), dbSNP rs77963874, ClinGen allele CA291224645.

ClinVar aggregate classification (germline): Pathogenic. Review status: reviewed by expert panel (3 of 4 stars). 4 submissions from 4 submitters: Pathogenic (1). 3 of the submissions do not count toward it. Last evaluated 2020-11-10.

Conditions:
Glanzmann thrombasthenia 2. Also called: BLEEDING DISORDER, PLATELET-TYPE, 23. Identifiers: MedGen C5543273, MONDO:0031009, OMIM 619267.
Bleeding disorder, platelet-type, 24. Also called: GLANZMANN THROMBASTHENIA-LIKE WITH MACROTHROMBOCYTOPENIA 2. Identifiers: MedGen C5543280, MONDO:0030996, OMIM 619271.
Myocardial infarction, susceptibility to. Identifiers: MedGen C1832662, MONDO:0012039, OMIM 608446.
Glanzmann thrombasthenia. Also called: Glanzmann's thrombasthenia; PLATELET GLYCOPROTEIN IIb-IIIa DEFICIENCY; BLEEDING DISORDER, PLATELET-TYPE, 2; THROMBASTHENIA OF GLANZMANN AND NAEGELI; Thrombasthenia. Identifiers: Orphanet 849, MedGen C0040015, MONDO:0100326.

Allele frequency attached by ClinVar (database versions not stated): gnomAD 0.00001; TOPMed 0.00001.

Submissions (4):

ClinGen Platelet Disorders Variant Curation Expert Panel, ClinGen
Classification: Pathogenic for Glanzmann thrombasthenia. Last evaluated: 2020-11-10. Review status: reviewed by expert panel. Criteria: ClinGen Platelet ACMG Specifications v2. Collection method: curation. Allele origin: germline. Inheritance: Autosomal recessive inheritance.
Comment: The ITGB3 missense variant NM_000212.3:c.431T>G replaces the methionine residue with an arginine residue (p.Met144Arg). This variant is very rare in control population databases, but has been observed in homozygosity in four individuals suspected to have Glanzmann's thrombasthenia (GT) (CabGT-22 in PMID: 20020534; GT-7 in PMID: 25539746; Case 39 in PMID: 28983057; Case 18-086 reported by personal communication from Dr. JosÃ© Rivera, Universidad de Murcia). At least one of these individuals (Case 39 in PMID: 28983057) has a phenotype specific for GT and an affected sibling also homozygous for the variant. The variant is predicted by in silico tools to be damaging to protein function and expression of the variant in a heterologous cell line revealed significantly reduced cell surface protein expression (PMID: 20020534). In summary, this variant meets criteria to be classified as pathogenic for GT. GT-specific criteria applied: PS3_moderate, PM2_supporting, PM3, PP1, PP3, PP4_strong.

Fulgent Genetics
Classification: Likely pathogenic for Myocardial infarction, susceptibility to; Glanzmann thrombasthenia 2; Bleeding disorder, platelet-type, 24. Last evaluated: 2024-04-27. Review status: criteria provided, single submitter. Criteria: ACMG Guidelines, 2015. Collection method: clinical testing. Allele origin: germline. Not counted in ClinVar's aggregate classification.

Women's Health and Genetics/Laboratory Corporation of America, LabCorp
Classification: Pathogenic for Glanzmann thrombasthenia 2. Last evaluated: 2024-04-26. Review status: criteria provided, single submitter. Criteria: LabCorp Variant Classification Summary - May 2015. Collection method: clinical testing. Allele origin: germline. Not counted in ClinVar's aggregate classification.
Comment: Variant summary: ITGB3 c.431T>G (p.Met144Arg) results in a non-conservative amino acid change located in the Integrin beta subunit, VWA domain (IPR002369) of the encoded protein sequence. Five of five in-silico tools predict a damaging effect of the variant on protein function. The variant was absent in 251478 control chromosomes. c.431T>G has been reported in the literature in at-least two individuals affected with Glanzmann Thrombasthenia (Bastida_2018, Jallu_2010, Sanchez-Guiu_2014). These data indicate that the variant is likely to be associated with disease. At least one publication reports experimental evidence evaluating an impact on protein function. The most pronounced variant effect results in abcence of detectable ITGB3 on Cos-7 cells (Jallu_2010). The following publications have been ascertained in the context of this evaluation (PMID: 28983057, 20020534, 25539746). ClinVar contains an entry for this variant (Variation ID: 996188). Based on the evidence outlined above, the variant was classified as pathogenic.

ISTH-SSC Genomics in Thrombosis and Hemostasis, KU Leuven, Center for Molecular and Vascular Biology
Classification: Pathogenic for Glanzmann thrombasthenia 2. Review status: criteria provided, single submitter. Criteria: ACMG Guidelines, 2015. Collection method: clinical testing. Allele origin: germline. Affected: yes. Observed: 3 homozygotes. Clinical features observed: Impaired platelet aggregation and flow cytometry, Impaired platelet aggregation with all agonists except ristocetin, abnormal alpha and dense granules, Absent expression of GPIIb/IIIa by flow cytometry. Not counted in ClinVar's aggregate classification.
Comment: Submitted to GoldVariant by Jose María Bastida and José Rivera; Grupo Español de Alteraciones Plaquetarias Congénitas (GEAPC)

Literature cited by the submitters: PubMed 25539746 (cited by ClinGen Platelet Disorders Variant Curation Expert Panel, ClinGen and Women's Health and Genetics/Laboratory Corporation of America, LabCorp); PubMed 20020534 (cited by 3 submitters); PubMed 28983057 (cited by ClinGen Platelet Disorders Variant Curation Expert Panel, ClinGen and Women's Health and Genetics/Laboratory Corporation of America, LabCorp).